The following is an entry in ClinVar:

ClinVar aggregate classification (germline): Uncertain significance (1 of 4 stars; one submission).

Conditions:
MEGF10-related myopathy (CMYO10A). Also called: Congenital myopathy 10A, severe variant. Identifiers: Orphanet 439212, MedGen C3280679, MONDO:0013731, OMIM 614399.

Submission:

Labcorp Genetics (formerly Invitae), Labcorp
Classification: Uncertain significance for MEGF10-related myopathy. Last evaluated: 2022-11-15. Review status: criteria provided, single submitter. Criteria: Invitae Variant Classification Sherloc (09022015). Collection method: clinical testing. Allele origin: germline.
Comment: Information on the frequency of this variant in the gnomAD database is not available, as this variant may be reported differently in the database. This sequence change replaces alanine, which is neutral and non-polar, with lysine, which is basic and polar, at codon 338 of the MEGF10 protein (p.Ala338Lys). This variant has not been reported in the literature in individuals affected with MEGF10-related conditions. In summary, the available evidence is currently insufficient to determine the role of this variant in disease. Therefore, it has been classified as a Variant of Uncertain Significance. Algorithms developed to predict the effect of missense changes on protein structure and function are either unavailable or do not agree on the potential impact of this missense change (SIFT: "Not Available"; PolyPhen-2: "Benign"; Align-GVGD: "Not Available"). ClinVar contains an entry for this variant (Variation ID: 839684).

NM_001256545.2(MEGF10):c.1012_1013delinsAA (p.Ala338Lys)

Gene: MEGF10 (multiple EGF like domains 10; plus strand). Cytogenetic location: 5q23.2.
Variant type: Indel.
Coding change: c.1012_1013delinsAA on transcript NM_001256545.2 (MANE Select); coding-DNA positions 1012 to 1013, GC replaced by AA.
Protein change: p.Ala338Lys; replaces alanine 338 with lysine.
Molecular consequence: missense variant.
Genome position (GRCh38, 1-based): chr5:127,410,483-127,410,484, GC replaced by AA. VCF-style: chr5-127410483-GC-AA. GRCh37 (hg19) VCF-style: chr5-126746175-GC-AA.
Other names: c.1012_1013delinsAA, p.Ala338Lys (NM_001308119.2, NM_001308121.2, NM_032446.3); short protein forms A338K.
Identifiers: ClinVar variation 839684 (VCV000839684.10), dbSNP rs1764513317, ClinGen allele CA916082753.